The following is an entry in ClinVar:

ClinVar aggregate classification (germline): Benign/Likely benign. Review status: criteria provided, multiple submitters, no conflicts (2 of 4 stars). 4 submissions from 4 submitters: Benign (1); Likely benign (3). Last evaluated 2024-10-08.

Conditions:
Hereditary cancer-predisposing syndrome. Also called: Tumor predisposition; Neoplastic Syndromes, Hereditary; Hereditary Cancer Syndrome; Hereditary neoplastic syndrome. Identifiers: Orphanet 140162, MedGen C0027672, MeSH D009386, MONDO:0015356.
Familial cancer of breast. Also called: Hereditary breast cancer; BREAST CANCER, FAMILIAL; hereditary breast carcinoma. Identifiers: Orphanet 227535, MedGen C0346153, MONDO:0016419, OMIM 114480. Disease mechanism: loss of function.

Submissions (4):

Myriad Genetics, Inc.
Classification: Benign for Familial cancer of breast. Last evaluated: 2024-10-08. Review status: criteria provided, single submitter. Criteria: Myriad Autosomal Dominant, Autosomal Recessive and X-Linked Classification Criteria (2023). Collection method: clinical testing. Allele origin: unknown.
Comment: This variant is considered benign. This variant is a silent/synonymous amino acid change and it is not expected to impact splicing.

Labcorp Genetics (formerly Invitae), Labcorp
Classification: Likely benign for Familial cancer of breast. Last evaluated: 2024-07-27. Review status: criteria provided, single submitter. Criteria: Invitae Variant Classification Sherloc (09022015). Collection method: clinical testing. Allele origin: germline.

Ambry Genetics
Classification: Likely benign for Hereditary cancer-predisposing syndrome. Last evaluated: 2024-05-07. Review status: criteria provided, single submitter. Criteria: Ambry Variant Classification Scheme 2023. Collection method: clinical testing. Allele origin: germline.

Color Diagnostics, LLC DBA Color Health
Classification: Likely benign for Hereditary cancer-predisposing syndrome. Last evaluated: 2023-12-04. Review status: criteria provided, single submitter. Criteria: ACMG Guidelines, 2015. Collection method: clinical testing. Allele origin: germline.

NM_007194.4(CHEK2):c.1497G>A (p.Leu499=)

Gene: CHEK2 (checkpoint kinase 2; minus strand). Cytogenetic location: 22q12.1.
Variant type: single nucleotide variant.
Coding change: c.1497G>A on transcript NM_007194.4 (MANE Select); coding-DNA position 1497, G replaced by A.
Protein change: p.Leu499=; no amino-acid change (leucine 499 retained).
Molecular consequence: synonymous variant.
Genome position (GRCh38, 1-based): chr22:28,689,180, C>T on the plus strand (G>A on the coding strand, the complement: CHEK2 is on the minus strand). VCF-style: chr22-28689180-C-T. GRCh37 (hg19) VCF-style: chr22-29085168-C-T.
Other names: c.1626G>A, p.Leu542= (NM_001005735.3); c.834G>A, p.Leu278= (NM_001257387.3); c.1296G>A, p.Leu432= (NM_001349956.3); c.1410G>A, p.Leu470= (NM_145862.3).
Identifiers: ClinVar variation 240739 (VCV000240739.14), dbSNP rs587780890, ClinGen allele CA10583894.